The following is an entry in ClinVar:

ClinVar aggregate classification (germline): Conflicting classifications of pathogenicity. Review status: criteria provided, conflicting classifications (1 of 4 stars). 5 submissions from 5 submitters: Uncertain significance (1); Benign (2); Likely benign (1). 1 of the submissions does not count toward it. Last evaluated 2026-02-01.

Conditions:
MCPH1-related disorder. Also called: MCPH1-related condition.
Microcephaly 1, primary, autosomal recessive (MCPH1). Also called: PREMATURE CHROMOSOME CONDENSATION SYNDROME; PCC SYNDROME; PREMATURE CHROMOSOME CONDENSATION WITH MICROCEPHALY AND MENTAL RETARDATION. Identifiers: Orphanet 2512, MedGen C1855081, MONDO:0009617, OMIM 251200.

Allele frequency attached by ClinVar (database versions not stated): ESP Exome Variant Server 0.00025; gnomAD 0.00026 and 0.00036; gnomAD exomes 0.00029 and 0.00072; TOPMed 0.00047; 1000 Genomes Project 0.00060; ExAC 0.00071; 1000 Genomes Project 30x 0.00078.
gnomAD v4.1: 501 of 1,609,860 alleles (0.031%); highest among the groups gnomAD compares: East Asian, 0.58%; no homozygotes.

Submissions (5):

Labcorp Genetics (formerly Invitae), Labcorp
Classification: Benign. Last evaluated: 2026-02-01. Review status: criteria provided, single submitter. Criteria: Invitae Variant Classification Sherloc (09022015). Collection method: clinical testing. Allele origin: germline.

Athena Diagnostics
Classification: Benign. Last evaluated: 2024-12-04. Review status: criteria provided, single submitter. Criteria: Athena Diagnostics Criteria. Collection method: clinical testing. Allele origin: unknown.
Comment: The frequency of this variant in the general population is higher than would generally be expected for pathogenic variants in this gene. Computational tools yielded predictions that this variant is unlikely to have an effect on normal RNA splicing. This nucleotide position exhibits low evolutionary conservation.

Blueprint Genetics
Classification: Likely benign. Last evaluated: 2024-11-05. Review status: criteria provided, single submitter. Criteria: ACMG Guidelines, 2015. Collection method: clinical testing. Allele origin: germline.

Illumina Laboratory Services, Illumina
Classification: Uncertain significance for Microcephaly 1, primary, autosomal recessive. Last evaluated: 2018-01-13. Review status: criteria provided, single submitter. Criteria: ICSL Variant Classification Criteria 13 December 2019. Collection method: clinical testing. Allele origin: germline.

PreventionGenetics, part of Exact Sciences
Classification: Likely benign for MCPH1-related condition. Last evaluated: 2019-08-01. Review status: no assertion criteria provided. Collection method: clinical testing. Allele origin: germline. Not counted in ClinVar's aggregate classification.
Comment: This variant is classified as likely benign based on ACMG/AMP sequence variant interpretation guidelines (Richards et al. 2015 PMID: 25741868, with internal and published modifications).

NM_024596.5(MCPH1):c.489T>C (p.Thr163=)

Gene: MCPH1 (microcephalin 1; plus strand). Cytogenetic location: 8p23.1.
Variant type: single nucleotide variant.
Coding change: c.489T>C on transcript NM_024596.5 (MANE Select); coding-DNA position 489, T replaced by C.
Protein change: p.Thr163=; no amino-acid change (threonine 163 retained).
Molecular consequence: synonymous variant. On other transcripts: non-coding transcript variant (1), intron variant (1).
Genome position (GRCh38, 1-based): chr8:6,439,005, T>C. VCF-style: chr8-6439005-T-C. GRCh37 (hg19) VCF-style: chr8-6296526-T-C.
Other names: c.489T>C, p.Thr163= (NM_001172574.2, NM_001322042.2, NM_001363979.1 and 1 more transcripts); c.483T>C, p.Thr161= (NM_001322043.2); c.387T>C, p.Thr129= (NM_001322045.2); c.436+2843T>C (NM_001172575.2); c.489T>C (NM_001322042.1).
Identifiers: ClinVar variation 713228 (VCV000713228.18), dbSNP rs191104356, ClinGen allele CA4610259.
Genomic context (GRCh38, chr8:6,439,005, plus strand): 5'-ATTTTCAGATGATGATGTACCTATTCTCTTATTTGAATCTAATGGTTCATTAATATATAC[T>C]CCCACAATTGAAATTAATAGTAGGCACCACAGCGCAATGGAGAAGAGATTACAAGAGATG-3'
Protein context (NP_078872.3, residues 153-173): LFESNGSLIY[Thr163=]PTIEINSRHH